The following is an entry in ClinVar:

ClinVar aggregate classification (germline): Conflicting classifications of pathogenicity. Review status: criteria provided, conflicting classifications (1 of 4 stars). 3 submissions from 3 submitters: Uncertain significance (2); Likely benign (1). Last evaluated 2024-01-08.

Conditions:
Long QT syndrome (LQTS). Identifiers: MedGen C0023976, MeSH D008133, MONDO:0002442. Disease mechanism: loss of function. Inheritance: Various modes of inheritance.

Allele frequency attached by ClinVar (database versions not stated): 1000 Genomes Project 30x 0.00187; 1000 Genomes Project 0.00200; gnomAD 0.00247 and 0.00249; gnomAD exomes 0.00255 and 0.00343; TOPMed 0.00268; ExAC 0.00299; ESP Exome Variant Server 0.00377.

Submissions (3):

Dept of Medical Biology, Uskudar University
Classification: Uncertain significance for Long QT syndrome. Last evaluated: 2024-01-08. Review status: criteria provided, single submitter. Criteria: Dept of Medical Biology Variant Classification. Collection method: research. Allele origin: maternal. Affected: yes. Observed: 1 variant allele.
Comment: Criteria: BS1, PP2

CeGaT Center for Human Genetics Tuebingen
Classification: Likely benign. Last evaluated: 2022-12-01. Review status: criteria provided, single submitter. Criteria: CeGaT Center For Human Genetics Tuebingen Variant Classification Criteria Version 2. Collection method: clinical testing. Allele origin: germline. Affected: yes. Observed: 1 variant allele.
Comment: GNAI2: PP2, BP4, BS2

Breakthrough Genomics
Classification: Uncertain significance. Review status: criteria provided, single submitter. Criteria: ACMG Guidelines, 2015. Collection method: not provided. Allele origin: germline. Inheritance: Autosomal dominant inheritance. Affected: yes.

NM_002070.4(GNAI2):c.302C>T (p.Ala101Val)

Gene: GNAI2 (G protein subunit alpha i2; plus strand). Cytogenetic location: 3p21.31.
Variant type: single nucleotide variant.
Coding change: c.302C>T on transcript NM_002070.4 (MANE Select); coding-DNA position 302, C replaced by T.
Protein change: p.Ala101Val; replaces alanine 101 with valine.
Molecular consequence: missense variant.
Genome position (GRCh38, 1-based): chr3:50,252,537, C>T. VCF-style: chr3-50252537-C-T. GRCh37 (hg19) VCF-style: chr3-50289969-C-T.
Other names: c.191C>T, p.Ala64Val (NM_001166425.2); c.146C>T, p.Ala49Val (NM_001282617.2); c.59C>T, p.Ala20Val (NM_001282618.2); c.254C>T, p.Ala85Val (NM_001282619.2, NM_001282620.2); short protein forms A85V, A101V, A20V, A49V, A64V.
Identifiers: ClinVar variation 809488 (VCV000809488.38), dbSNP rs112497464, ClinGen allele CA2413402.